The following is an entry in ClinVar:

ClinVar aggregate classification (germline): Uncertain significance (1 of 4 stars; one submission).

Conditions:
RAX2-related disorder. Also called: RAX2-related condition; RAX2-related disorders.

gnomAD v4.1: 11 of 1,467,540 alleles (0.00075%); highest among the groups gnomAD compares: Admixed American, 0.021%; no homozygotes.

Submission:

PreventionGenetics, part of Exact Sciences
Classification: Uncertain significance for RAX2-related condition. Last evaluated: 2024-11-17. Review status: criteria provided, single submitter. Criteria: ACMG Guidelines, 2015. Collection method: clinical testing. Allele origin: germline.
Comment: The RAX2 c.40G>C variant is predicted to result in the amino acid substitution p.Gly14Arg. To our knowledge, this variant has not been reported in the literature. This variant is reported in 0.017% of alleles in individuals of Latino descent in gnomAD. At this time, the clinical significance of this variant is uncertain due to the absence of conclusive functional and genetic evidence.

NM_001319074.4(RAX2):c.-99G>C

Gene: RAX2 (retina and anterior neural fold homeobox 2; minus strand). Cytogenetic location: 19p13.3.
Variant type: single nucleotide variant.
Coding change: c.-99G>C on transcript NM_001319074.4 (MANE Select); 99 bases upstream of the start codon, G replaced by C.
Molecular consequence: 5 prime UTR variant. On other transcripts: intron variant (1).
Genome position (GRCh38, 1-based): chr19:3,771,841, C>G on the plus strand (G>C on the coding strand, the complement: RAX2 is on the minus strand). VCF-style: chr19-3771841-C-G. GRCh37 (hg19) VCF-style: chr19-3771839-C-G.
Other names: c.-9-90G>C (NM_032753.4).
Identifiers: ClinVar variation 4977716 (VCV004977716.1).